The following is an entry in ClinVar:

NM_173689.7(CRB2):c.1062A>T (p.Thr354=)

Gene: CRB2 (crumbs cell polarity complex component 2; plus strand). Cytogenetic location: 9q33.3.
Variant type: single nucleotide variant.
Coding change: c.1062A>T on transcript NM_173689.7 (MANE Select); coding-DNA position 1062, A replaced by T.
Protein change: p.Thr354=; no amino-acid change (threonine 354 retained).
Molecular consequence: synonymous variant. On other transcripts: non-coding transcript variant (1).
Genome position (GRCh38, 1-based): chr9:123,370,115, A>T. VCF-style: chr9-123370115-A-T. GRCh37 (hg19) VCF-style: chr9-126132394-A-T.
Identifiers: ClinVar variation 728672 (VCV000728672.14), dbSNP rs191927047, ClinGen allele CA5231895.

ClinVar aggregate classification (germline): Benign/Likely benign. Review status: criteria provided, multiple submitters, no conflicts (2 of 4 stars). 3 submissions from 3 submitters: Benign (1); Likely benign (1). 1 of the submissions does not count toward it. Last evaluated 2024-10-11.

Conditions:
CRB2-related disorder. Also called: CRB2-related disorders; CRB2-related condition.

Allele frequency attached by ClinVar (database versions not stated): gnomAD 0.00022; TOPMed 0.00072; 1000 Genomes Project 30x 0.00078; 1000 Genomes Project 0.00100.

Submissions (3):

Blueprint Genetics
Classification: Likely benign. Last evaluated: 2024-10-11. Review status: criteria provided, single submitter. Criteria: ACMG Guidelines, 2015. Collection method: clinical testing. Allele origin: germline.

Labcorp Genetics (formerly Invitae), Labcorp
Classification: Benign. Last evaluated: 2024-06-03. Review status: criteria provided, single submitter. Criteria: Invitae Variant Classification Sherloc (09022015). Collection method: clinical testing. Allele origin: germline.

PreventionGenetics, part of Exact Sciences
Classification: Likely benign for CRB2-related condition. Last evaluated: 2020-02-19. Review status: no assertion criteria provided. Collection method: clinical testing. Allele origin: germline. Not counted in ClinVar's aggregate classification.
Comment: This variant is classified as likely benign based on ACMG/AMP sequence variant interpretation guidelines (Richards et al. 2015 PMID: 25741868, with internal and published modifications).